The following is an entry in ClinVar:

ClinVar aggregate classification (germline): Uncertain significance. Review status: criteria provided, multiple submitters, no conflicts (2 of 4 stars). 3 submissions from 3 submitters: Uncertain significance (2). 1 of the submissions does not count toward it. Last evaluated 2025-05-05.

Conditions:
Usher syndrome type 1F (USH1F). Also called: USHER SYNDROME, TYPE IF. Identifiers: Orphanet 231169, Orphanet 886, MedGen C1865885, MONDO:0011186, OMIM 602083.

Allele frequency attached by ClinVar (database versions not stated): gnomAD exomes below 0.00001; gnomAD 0.00002; TOPMed 0.00002.
gnomAD v4.1: 4 of 1,613,332 alleles (0.00025%); highest among the groups gnomAD compares: African/African-American, 0.0027%; no homozygotes.

Submissions (3):

Labcorp Genetics (formerly Invitae), Labcorp
Classification: Uncertain significance. Last evaluated: 2025-05-05. Review status: criteria provided, single submitter. Criteria: Invitae Variant Classification Sherloc (09022015). Collection method: clinical testing. Allele origin: germline.
Comment: This sequence change replaces threonine, which is neutral and polar, with alanine, which is neutral and non-polar, at codon 911 of the PCDH15 protein (p.Thr911Ala). This variant is present in population databases (no rsID available, gnomAD 0.007%). This variant has not been reported in the literature in individuals affected with PCDH15-related conditions. ClinVar contains an entry for this variant (Variation ID: 861702). Invitae Evidence Modeling of protein sequence and biophysical properties (such as structural, functional, and spatial information, amino acid conservation, physicochemical variation, residue mobility, and thermodynamic stability) indicates that this missense variant is not expected to disrupt PCDH15 protein function with a negative predictive value of 95%. In summary, the available evidence is currently insufficient to determine the role of this variant in disease. Therefore, it has been classified as a Variant of Uncertain Significance.

Mayo Clinic Laboratories, Mayo Clinic
Classification: Uncertain significance. Last evaluated: 2023-03-17. Review status: criteria provided, single submitter. Criteria: ACMG Guidelines, 2015. Collection method: clinical testing. Allele origin: germline. Observed: 1 variant allele.
Comment: PM2

Natera, Inc.
Classification: Uncertain significance for Usher syndrome type 1F. Last evaluated: 2020-09-16. Review status: no assertion criteria provided. Collection method: clinical testing. Allele origin: germline. Not counted in ClinVar's aggregate classification.

NM_001384140.1(PCDH15):c.2731A>G (p.Thr911Ala)

Gene: PCDH15 (protocadherin related 15; minus strand). Cytogenetic location: 10q21.1.
Variant type: single nucleotide variant.
Coding change: c.2731A>G on transcript NM_001384140.1 (MANE Select); coding-DNA position 2731, A replaced by G.
Protein change: p.Thr911Ala; replaces threonine 911 with alanine.
Molecular consequence: missense variant.
Genome position (GRCh38, 1-based): chr10:54,020,212, T>C on the plus strand (A>G on the coding strand, the complement: PCDH15 is on the minus strand). VCF-style: chr10-54020212-T-C. GRCh37 (hg19) VCF-style: chr10-55779972-T-C.
Other names: p.Thr911Ala; c.2746A>G, p.Thr916Ala (NM_001142763.2, NM_001142771.2); c.2731A>G, p.Thr911Ala (NM_001142764.2, NM_001142766.2, NM_001142770.3 and 5 more transcripts); c.2518A>G, p.Thr840Ala (NM_001142765.2); c.2620A>G, p.Thr874Ala (NM_001142767.2); c.2665A>G, p.Thr889Ala (NM_001142768.2, NM_001142773.2, NM_001354404.2); c.2767A>G, p.Thr923Ala (NM_001142769.4); c.2752A>G, p.Thr918Ala (NM_001354411.2); short protein forms T840A, T911A, T916A, T874A, T918A, T889A, T923A.
Identifiers: ClinVar variation 861702 (VCV000861702.6), dbSNP rs887302573, ClinGen allele CA207198344.